The following is an entry in ClinVar:

ClinVar aggregate classification (germline): Uncertain significance (1 of 4 stars; one submission).

Conditions:
Congenital myasthenic syndrome 2A. Also called: Myasthenic syndrome, congenital, 2a, slow-channel. Identifiers: Orphanet 590, MedGen C4225374, MONDO:0014581, OMIM 616313.

Allele frequency attached by ClinVar (database versions not stated): gnomAD exomes below 0.00001.
gnomAD v4.1: 2 of 1,614,078 alleles (0.00012%); highest among the groups gnomAD compares: Non-Finnish European, 0.00017%; no homozygotes.

Submission:

Labcorp Genetics (formerly Invitae), Labcorp
Classification: Uncertain significance for Congenital myasthenic syndrome 2A. Last evaluated: 2025-03-31. Review status: criteria provided, single submitter. Criteria: Invitae Variant Classification Sherloc (09022015). Collection method: clinical testing. Allele origin: germline.
Comment: This sequence change replaces glutamic acid, which is acidic and polar, with lysine, which is basic and polar, at codon 72 of the CHRNB1 protein (p.Glu72Lys). This variant is not present in population databases (gnomAD no frequency). This variant has not been reported in the literature in individuals affected with CHRNB1-related conditions. ClinVar contains an entry for this variant (Variation ID: 1007600). Invitae Evidence Modeling of protein sequence and biophysical properties (such as structural, functional, and spatial information, amino acid conservation, physicochemical variation, residue mobility, and thermodynamic stability) indicates that this missense variant is not expected to disrupt CHRNB1 protein function with a negative predictive value of 80%. In summary, the available evidence is currently insufficient to determine the role of this variant in disease. Therefore, it has been classified as a Variant of Uncertain Significance.

NM_000747.3(CHRNB1):c.214G>A (p.Glu72Lys)

Gene: CHRNB1 (cholinergic receptor nicotinic beta 1 subunit; plus strand). Cytogenetic location: 17p13.1.
Variant type: single nucleotide variant.
Coding change: c.214G>A on transcript NM_000747.3 (MANE Select); coding-DNA position 214, G replaced by A.
Protein change: p.Glu72Lys; replaces glutamic acid 72 with lysine.
Molecular consequence: missense variant.
Genome position (GRCh38, 1-based): chr17:7,446,084, G>A. VCF-style: chr17-7446084-G-A. GRCh37 (hg19) VCF-style: chr17-7349403-G-A.
Other names: short protein forms E72K.
Identifiers: ClinVar variation 1007600 (VCV001007600.8), dbSNP rs1908599255, ClinGen allele CA397788108.